The following is an entry in ClinVar:

ClinVar aggregate classification (germline): Uncertain significance (1 of 4 stars; one submission).

Conditions:
Epidermolysis bullosa simplex 3, localized or generalized intermediate, with BP230 deficiency (EBS3). Also called: Epidermolysis bullosa simplex, autosomal recessive 2; Epidermolysis bullosa simplex due to BP230 deficiency. Identifiers: Orphanet 412181, MedGen C3809470, MONDO:0014180, OMIM 615425.
Hereditary sensory and autonomic neuropathy type 6. Also called: Neuropathy, hereditary sensory and autonomic, type VI; HSAN VI. Identifiers: Orphanet 314381, MedGen C3539003, MONDO:0013839, OMIM 614653.

gnomAD v4.1: 1 of 1,613,230 alleles (0.000062%); highest among the groups gnomAD compares: Admixed American, 0.0017%; no homozygotes.

Submission:

Labcorp Genetics (formerly Invitae), Labcorp
Classification: Uncertain significance for Epidermolysis bullosa simplex 3, localized or generalized intermediate, with BP230 deficiency; Hereditary sensory and autonomic neuropathy type 6. Last evaluated: 2019-08-11. Review status: criteria provided, single submitter. Criteria: Invitae Variant Classification Sherloc (09022015). Collection method: clinical testing. Allele origin: germline.
Comment: In summary, the available evidence is currently insufficient to determine the role of this variant in disease. Therefore, it has been classified as a Variant of Uncertain Significance. Algorithms developed to predict the effect of missense changes on protein structure and function are either unavailable or do not agree on the potential impact of this missense change (SIFT: "Deleterious"; PolyPhen-2: "Probably Damaging"; Align-GVGD: "Class C0"). This variant has not been reported in the literature in individuals with DST-related conditions. This variant is not present in population databases (ExAC no frequency). This sequence change replaces threonine with lysine at codon 1636 of the DST protein (p.Thr1636Lys). The threonine residue is weakly conserved and there is a moderate physicochemical difference between threonine and lysine.

NM_001723.7(DST):c.4907C>A (p.Thr1636Lys)

Gene: DST (dystonin; minus strand). Cytogenetic location: 6p12.1.
Variant type: single nucleotide variant.
Coding change: c.4907C>A on transcript NM_001723.7 (MANE Plus Clinical); coding-DNA position 4907, C replaced by A.
Protein change: p.Thr1636Lys; replaces threonine 1636 with lysine.
Molecular consequence: missense variant. On other transcripts: intron variant (10).
Genome position (GRCh38, 1-based): chr6:56,619,127, G>T on the plus strand (C>A on the coding strand, the complement: DST is on the minus strand). VCF-style: chr6-56619127-G-T. GRCh37 (hg19) VCF-style: chr6-56483925-G-T.
Other names: c.4831-4643C>A (NM_001144769.5); c.4930-4643C>A (NM_001374722.1, NM_001374736.1); c.4957-4643C>A (NM_001374734.1); c.4417-4643C>A (NM_001144770.2); c.4297-4643C>A (NM_001374730.1, NM_001386100.1, NM_183380.4 and 1 more transcripts); c.3319-4643C>A (NM_015548.5); short protein forms T1636K.
Identifiers: ClinVar variation 962223 (VCV000962223.10), dbSNP rs1053689304, ClinGen allele CA364568592.